The following is an entry in ClinVar:

NM_001868.4(CPA1):c.719G>C (p.Arg240Pro)

Gene: CPA1 (carboxypeptidase A1; plus strand). Cytogenetic location: 7q32.2.
Variant type: single nucleotide variant.
Coding change: c.719G>C on transcript NM_001868.4 (MANE Select); coding-DNA position 719, G replaced by C.
Protein change: p.Arg240Pro; replaces arginine 240 with proline.
Molecular consequence: missense variant.
Genome position (GRCh38, 1-based): chr7:130,384,558, G>C. VCF-style: chr7-130384558-G-C. GRCh37 (hg19) VCF-style: chr7-130024399-G-C.
Other names: short protein forms R240P.
Identifiers: ClinVar variation 5034918 (VCV005034918.1).

ClinVar aggregate classification (germline): Uncertain significance (1 of 4 stars; one submission).

Conditions:
Hereditary pancreatitis (PCTT). Also called: Hereditary chronic pancreatitis; PRSS1-Related Hereditary Pancreatitis. Identifiers: Orphanet 676, MedGen C0238339, MONDO:0008185, OMIM 167800.

Submission:

Ambry Genetics
Classification: Uncertain significance for Hereditary pancreatitis. Last evaluated: 2026-08-19. Review status: criteria provided, single submitter. Criteria: Ambry Variant Classification Scheme 2023. Collection method: clinical testing. Allele origin: germline.
Comment: The p.R240P variant (also known as c.719G>C), located in coding exon 7 of the CPA1 gene, results from a G to C substitution at nucleotide position 719. The arginine at codon 240 is replaced by proline, an amino acid with dissimilar properties. This amino acid position is conserved. In addition, this alteration is predicted to be deleterious by in silico analysis. Based on the available evidence, the clinical significance of this variant remains unclear.